The following is an entry in ClinVar:

ClinVar aggregate classification (germline): Pathogenic (1 of 4 stars; one submission).

Submission:

Labcorp Genetics (formerly Invitae), Labcorp
Classification: Pathogenic. Last evaluated: 2023-11-20. Review status: criteria provided, single submitter. Criteria: Invitae Variant Classification Sherloc (09022015). Collection method: clinical testing. Allele origin: germline.
Comment: This sequence change creates a premature translational stop signal (p.Asp2006Alafs*69) in the MYO7A gene. It is expected to result in an absent or disrupted protein product. Loss-of-function variants in MYO7A are known to be pathogenic (PMID: 8900236, 25404053). This variant is not present in population databases (gnomAD no frequency). This premature translational stop signal has been observed in individual(s) with MYO7A-related conditions (PMID: 34948090). For these reasons, this variant has been classified as Pathogenic.

Literature cited by the submitters: PubMed 8900236; PubMed 25404053; PubMed 34948090.

NM_000260.4(MYO7A):c.6017_6018del (p.Asp2006fs)

Gene: MYO7A (myosin VIIA; plus strand). Cytogenetic location: 11q13.5.
Variant type: Deletion.
Coding change: c.6017_6018del on transcript NM_000260.4 (MANE Select); coding-DNA positions 6017 to 6018, 2 bases deleted (AT; older notation c.6017_6018delAT).
Protein change: p.Asp2006fs; shifts the reading frame from aspartic acid 2006.
Molecular consequence: frameshift variant.
Genome position (GRCh38, 1-based): chr11:77,208,769-77,208,770, AT deleted. VCF-style (leftmost placement, unchanged base first): chr11-77208768-GAT-G. GRCh37 (hg19) VCF-style: chr11-76919813-GAT-G.
Other names: c.5903_5904del, p.Asp1968fs (NM_001127180.2); c.5870_5871del, p.Asp1957fs (NM_001369365.1); short protein forms D1957fs, D2006fs, D1968fs.
Identifiers: ClinVar variation 2697603 (VCV002697603.3), dbSNP rs2497759980, ClinGen allele CA2695215065.